The following is an entry in ClinVar:

NM_021076.4(NEFH):c.2629A>G (p.Lys877Glu)

Gene: NEFH (neurofilament heavy chain; plus strand). Cytogenetic location: 22q12.2.
Variant type: single nucleotide variant.
Coding change: c.2629A>G on transcript NM_021076.4 (MANE Select); coding-DNA position 2629, A replaced by G.
Protein change: p.Lys877Glu; replaces lysine 877 with glutamic acid.
Molecular consequence: missense variant.
Genome position (GRCh38, 1-based): chr22:29,490,269, A>G. VCF-style: chr22-29490269-A-G. GRCh37 (hg19) VCF-style: chr22-29886258-A-G.
Other names: short protein forms K877E.
Identifiers: ClinVar variation 2988352 (VCV002988352.3), dbSNP rs762004140, ClinGen allele CA10174465.

ClinVar aggregate classification (germline): Uncertain significance (1 of 4 stars; one submission).

Allele frequency attached by ClinVar (database versions not stated): TOPMed 0.00001; ExAC 0.00002; gnomAD exomes 0.00002.

Submission:

Labcorp Genetics (formerly Invitae), Labcorp
Classification: Uncertain significance. Last evaluated: 2023-09-10. Review status: criteria provided, single submitter. Criteria: Invitae Variant Classification Sherloc (09022015). Collection method: clinical testing. Allele origin: germline.
Comment: In summary, the available evidence is currently insufficient to determine the role of this variant in disease. Therefore, it has been classified as a Variant of Uncertain Significance. Advanced modeling of protein sequence and biophysical properties (such as structural, functional, and spatial information, amino acid conservation, physicochemical variation, residue mobility, and thermodynamic stability) performed at Invitae indicates that this missense variant is not expected to disrupt NEFH protein function. This variant has not been reported in the literature in individuals affected with NEFH-related conditions. This variant is present in population databases (rs762004140, gnomAD 0.02%). This sequence change replaces lysine, which is basic and polar, with glutamic acid, which is acidic and polar, at codon 877 of the NEFH protein (p.Lys877Glu).